The following is an entry in ClinVar:

NM_001470.4(GABBR1):c.208dup (p.Glu70fs)

Gene: GABBR1 (gamma-aminobutyric acid type B receptor subunit 1; minus strand). Cytogenetic location: 6p22.1.
Variant type: Duplication.
Coding change: c.208dup on transcript NM_001470.4 (MANE Select); coding-DNA position 208, one base duplicated (G; older notation c.208dupG).
Protein change: p.Glu70fs; shifts the reading frame from glutamic acid 70.
Molecular consequence: frameshift variant. On other transcripts: 5 prime UTR variant (1).
Genome position (GRCh38, 1-based): chr6:29,631,477, C duplicated on the plus strand (G on the coding strand, the reverse complement: GABBR1 is on the minus strand); the first of 6 consecutive C bases (chr6:29,631,477-29,631,482); duplicating any one gives the same sequence. VCF-style (leftmost placement, unchanged base first): chr6-29631476-T-TC. GRCh37 (hg19) VCF-style: chr6-29599253-T-TC.
Other names: c.-260dup (NM_001319053.2); c.208dup, p.Glu70fs (NM_021904.4); c.208dup (NM_001470.3); short protein forms E70fs.
Identifiers: ClinVar variation 1684756 (VCV001684756.2), dbSNP rs1231267820, ClinGen allele CA2573140164.

ClinVar aggregate classification (germline): Uncertain significance. Review status: criteria provided, multiple submitters, no conflicts (2 of 4 stars). 2 submissions from 2 submitters: Uncertain significance (2). Last evaluated 2024-04-09.

Submissions (2):

GeneDx
Classification: Uncertain significance. Last evaluated: 2024-04-09. Review status: criteria provided, single submitter. Criteria: GeneDx Variant Classification Process June 2021. Collection method: clinical testing. Allele origin: germline. Affected: yes.
Comment: Frameshift variant predicted to result in protein truncation or nonsense mediated decay in a gene for which loss-of-function is not an established mechanism of disease; Not observed at significant frequency in large population cohorts (gnomAD); Has not been previously published as pathogenic or benign to our knowledge

Mendelics
Classification: Uncertain significance. Last evaluated: 2022-05-04. Review status: criteria provided, single submitter. Criteria: Mendelics Assertion Criteria 2019. Collection method: clinical testing. Allele origin: germline.